The following is an entry in ClinVar:

NM_004006.3(DMD):c.6109T>G (p.Ser2037Ala)

Gene: DMD (dystrophin; minus strand). Cytogenetic location: Xp21.1.
Variant type: single nucleotide variant.
Coding change: c.6109T>G on transcript NM_004006.3 (MANE Select); coding-DNA position 6109, T replaced by G.
Protein change: p.Ser2037Ala; replaces serine 2037 with alanine.
Molecular consequence: missense variant.
Genome position (GRCh38, 1-based): chrX:32,310,090, A>C on the plus strand (T>G on the coding strand, the complement: DMD is on the minus strand). VCF-style: chrX-32310090-A-C. GRCh37 (hg19) VCF-style: chrX-32328207-A-C.
Other names: c.6085T>G, p.Ser2029Ala (NM_000109.4); c.6097T>G, p.Ser2033Ala (NM_004009.3); c.5740T>G, p.Ser1914Ala (NM_004010.3); c.2086T>G, p.Ser696Ala (NM_004011.4); c.2077T>G, p.Ser693Ala (NM_004012.4); short protein forms S1914A, S2033A, S2037A, S696A, S2029A, S693A.
Identifiers: ClinVar variation 3682373 (VCV003682373.2).

ClinVar aggregate classification (germline): Uncertain significance (1 of 4 stars; one submission).

Conditions:
Duchenne muscular dystrophy (DMD). Also called: MUSCULAR DYSTROPHY, PSEUDOHYPERTROPHIC PROGRESSIVE, DUCHENNE TYPE; Duchenne Muscular Dystrophy (DMD). Identifiers: Orphanet 98896, MedGen C0013264, MONDO:0010679, OMIM 310200.

gnomAD v4.1: 1 of 1,207,429 alleles (0.000083%); highest among the groups gnomAD compares: African/African-American, 0.0017%; no homozygotes.

Submission:

Labcorp Genetics (formerly Invitae), Labcorp
Classification: Uncertain significance for Duchenne muscular dystrophy. Last evaluated: 2024-10-06. Review status: criteria provided, single submitter. Criteria: Invitae Variant Classification Sherloc (09022015). Collection method: clinical testing. Allele origin: germline.
Comment: This sequence change replaces serine, which is neutral and polar, with alanine, which is neutral and non-polar, at codon 2037 of the DMD protein (p.Ser2037Ala). This variant is not present in population databases (gnomAD no frequency). This variant has not been reported in the literature in individuals affected with DMD-related conditions. Invitae Evidence Modeling of protein sequence and biophysical properties (such as structural, functional, and spatial information, amino acid conservation, physicochemical variation, residue mobility, and thermodynamic stability) indicates that this missense variant is not expected to disrupt DMD protein function with a negative predictive value of 95%. In summary, the available evidence is currently insufficient to determine the role of this variant in disease. Therefore, it has been classified as a Variant of Uncertain Significance.